The following is an entry in ClinVar:

NM_000965.5(RARB):c.836T>C (p.Phe279Ser)

Gene: RARB (retinoic acid receptor beta; plus strand). Cytogenetic location: 3p24.2.
Variant type: single nucleotide variant.
Coding change: c.836T>C on transcript NM_000965.5 (MANE Select); coding-DNA position 836, T replaced by C.
Protein change: p.Phe279Ser; replaces phenylalanine 279 with serine.
Molecular consequence: missense variant. On other transcripts: non-coding transcript variant (1), intron variant (1).
Genome position (GRCh38, 1-based): chr3:25,593,552, T>C. VCF-style: chr3-25593552-T-C. GRCh37 (hg19) VCF-style: chr3-25635043-T-C.
Other names: c.857T>C, p.Phe286Ser (NM_001290216.3); c.500T>C, p.Phe167Ser (NM_001290217.2, NM_001290276.2, NM_016152.4); c.689T>C, p.Phe230Ser (NM_001290266.2); c.707T>C, p.Phe236Ser (NM_001290300.2); c.787-89T>C (NM_001290277.1); short protein forms F167S, F230S, F279S, F286S, F236S.
Identifiers: ClinVar variation 936633 (VCV000936633.8), dbSNP rs1701697098, ClinGen allele CA351886273.

ClinVar aggregate classification (germline): Uncertain significance (1 of 4 stars; one submission).

Conditions:
Microphthalmia, syndromic 12 (MCOPS12). Also called: MICROPHTHALMIA WITH OR WITHOUT PULMONARY HYPOPLASIA, DIAPHRAGMATIC HERNIA, AND/OR CARDIAC DEFECTS. Identifiers: Orphanet 2470, Orphanet 689829, MedGen C3809803, MONDO:0014229, OMIM 615524.

Submission:

Labcorp Genetics (formerly Invitae), Labcorp
Classification: Uncertain significance for Microphthalmia, syndromic 12. Last evaluated: 2019-06-05. Review status: criteria provided, single submitter. Criteria: Invitae Variant Classification Sherloc (09022015). Collection method: clinical testing. Allele origin: germline.
Comment: In summary, the available evidence is currently insufficient to determine the role of this variant in disease. Therefore, it has been classified as a Variant of Uncertain Significance. Algorithms developed to predict the effect of missense changes on protein structure and function (SIFT, PolyPhen-2, Align-GVGD) all suggest that this variant is likely to be disruptive, but these predictions have not been confirmed by published functional studies and their clinical significance is uncertain. This variant has not been reported in the literature in individuals with RARB-related conditions. This variant is not present in population databases (ExAC no frequency). This sequence change replaces phenylalanine with serine at codon 279 of the RARB protein (p.Phe279Ser). The phenylalanine residue is highly conserved and there is a large physicochemical difference between phenylalanine and serine.